The following is an entry in ClinVar:

ClinVar aggregate classification (germline): Conflicting classifications of pathogenicity. Review status: criteria provided, conflicting classifications (1 of 4 stars). 4 submissions from 4 submitters: Uncertain significance (3); Likely benign (1). Last evaluated 2025-03-07.

Conditions:
Hereditary cancer-predisposing syndrome. Also called: Neoplastic Syndromes, Hereditary; Tumor predisposition; Hereditary Cancer Syndrome; Hereditary neoplastic syndrome. Identifiers: Orphanet 140162, MedGen C0027672, MeSH D009386, MONDO:0015356.
Hereditary breast ovarian cancer syndrome. Also called: BRCA1- and BRCA2-Associated Hereditary Breast and Ovarian Cancer; Hereditary breast and ovarian cancer syndrome; Hereditary breast and ovarian cancer; Hereditary breast and ovarian cancer syndrome (HBOC); Breast and ovarian cancer; Hereditary breast and/or ovarian cancer syndrome. Identifiers: Orphanet 145, MedGen C0677776, MeSH D061325, MONDO:0003582. Disease mechanism: loss of function.

Allele frequency attached by ClinVar (database versions not stated): gnomAD exomes below 0.00001 and 0.00001; TOPMed below 0.00001; ExAC 0.00001.
gnomAD v4.1: 3 of 1,614,124 alleles (0.00019%); highest among the groups gnomAD compares: South Asian, 0.0022%; no homozygotes.

Submissions (4):

Women's Health and Genetics/Laboratory Corporation of America, LabCorp
Classification: Uncertain significance. Last evaluated: 2025-03-07. Review status: criteria provided, single submitter. Criteria: LabCorp Variant Classification Summary - May 2015. Collection method: clinical testing. Allele origin: germline.
Comment: Variant summary: BRCA1 c.2831G>A (p.Cys944Tyr) results in a non-conservative amino acid change in the encoded protein sequence. Four of five in-silico tools predict a benign effect of the variant on protein function. The variant allele was found at a frequency of 4e-06 in 251302 control chromosomes. The available data on variant occurrences in the general population are insufficient to allow any conclusion about variant significance. To our knowledge, no occurrence of c.2831G>A in individuals affected with Hereditary Breast And Ovarian Cancer Syndrome and no experimental evidence demonstrating its impact on protein function have been reported. ClinVar contains an entry for this variant (Variation ID: 230809). Based on the evidence outlined above, the variant was classified as uncertain significance.

Labcorp Genetics (formerly Invitae), Labcorp
Classification: Uncertain significance for Hereditary breast ovarian cancer syndrome. Last evaluated: 2024-11-05. Review status: criteria provided, single submitter. Criteria: Invitae Variant Classification Sherloc (09022015). Collection method: clinical testing. Allele origin: germline.
Comment: This sequence change replaces cysteine, which is neutral and slightly polar, with tyrosine, which is neutral and polar, at codon 944 of the BRCA1 protein (p.Cys944Tyr). This variant is present in population databases (rs770769275, gnomAD 0.003%). This variant has not been reported in the literature in individuals affected with BRCA1-related conditions. ClinVar contains an entry for this variant (Variation ID: 230809). Invitae Evidence Modeling of protein sequence and biophysical properties (such as structural, functional, and spatial information, amino acid conservation, physicochemical variation, residue mobility, and thermodynamic stability) indicates that this missense variant is not expected to disrupt BRCA1 protein function with a negative predictive value of 80%. In summary, the available evidence is currently insufficient to determine the role of this variant in disease. Therefore, it has been classified as a Variant of Uncertain Significance.

Ambry Genetics
Classification: Uncertain significance for Hereditary cancer-predisposing syndrome. Last evaluated: 2023-11-21. Review status: criteria provided, single submitter. Criteria: Ambry Variant Classification Scheme 2023. Collection method: clinical testing. Allele origin: germline.
Comment: The p.C944Y variant (also known as c.2831G>A), located in coding exon 9 of the BRCA1 gene, results from a G to A substitution at nucleotide position 2831. The cysteine at codon 944 is replaced by tyrosine, an amino acid with highly dissimilar properties. This amino acid position is not well conserved and tyrosine is a reference amino acid in several species. In addition, this alteration is predicted to be tolerated by in silico analysis. Since supporting evidence is limited at this time, the clinical significance of this alteration remains unclear.

University of Washington Department of Laboratory Medicine, University of Washington
Classification: Likely benign for Hereditary cancer-predisposing syndrome. Last evaluated: 2023-03-23. Review status: criteria provided, single submitter. Criteria: Dines et al. (Genet Med. 2020). Collection method: curation. Allele origin: germline.
Comment: Missense variant in a coldspot region where missense variants are very unlikely to be pathogenic (PMID:31911673).

BRCA1 coldspot (exon 11 using historical exon numbering). Reclassification based on statistical prior probability

NM_007294.4(BRCA1):c.2831G>A (p.Cys944Tyr)

Gene: BRCA1 (BRCA1 DNA repair associated; minus strand). Cytogenetic location: 17q21.31.
Variant type: single nucleotide variant.
Coding change: c.2831G>A on transcript NM_007294.4 (MANE Select); coding-DNA position 2831, G replaced by A.
Protein change: p.Cys944Tyr; replaces cysteine 944 with tyrosine.
Molecular consequence: missense variant. On other transcripts: intron variant (137).
Genome position (GRCh38, 1-based): chr17:43,092,700, C>T on the plus strand (G>A on the coding strand, the complement: BRCA1 is on the minus strand). VCF-style: chr17-43092700-C-T. GRCh37 (hg19) VCF-style: chr17-41244717-C-T.
Other names: c.647-1668G>A (NM_001408455.1, NM_001408466.1, NM_001408452.1 and 11 more transcripts); c.578-1668G>A (NM_001408513.1, NM_001408481.1, NM_001408480.1 and 9 more transcripts); c.2828G>A, p.Cys943Tyr (NM_001407638.1, NM_001407587.1, NM_001407590.1 and 22 more transcripts); c.2618G>A, p.Cys873Tyr (NM_001407896.1, NM_001407897.1, NM_001407899.1 and 9 more transcripts); c.2831G>A, p.Cys944Tyr (NM_001407641.1, NM_001407639.1, NM_001407642.1 and 30 more transcripts); c.2621G>A, p.Cys874Tyr (NM_001407900.1, NM_001407902.1, NM_001407904.1 and 13 more transcripts); c.521-1668G>A (NM_001408503.1, NM_001408505.1, NM_001408504.1); c.524-1668G>A (NM_001408500.1, NM_001408497.1, NM_001408498.1 and 3 more transcripts); and 41 more; short protein forms C944Y, C897Y, C648Y, C817Y, C832Y, C877Y, C896Y, C776Y.
Identifiers: ClinVar variation 230809 (VCV000230809.12), dbSNP rs770769275, ClinGen allele CA058288.